The following is an entry in ClinVar:

ClinVar aggregate classification (germline): Conflicting classifications of pathogenicity. Review status: criteria provided, conflicting classifications (1 of 4 stars). 8 submissions from 8 submitters: Uncertain significance (1); Benign (1); Likely benign (3). 3 of the submissions do not count toward it. Last evaluated 2026-01-28.

Conditions:
LYST-related disorder. Also called: LYST-related condition.
Autoinflammatory syndrome. Identifiers: Orphanet 93665, MedGen C3890737, MONDO:0019751.
Chédiak-Higashi syndrome (CHS). Also called: Chediak-Higashi Syndrome. Identifiers: Orphanet 167, MedGen C0007965, MONDO:0008963, OMIM 214500.

Allele frequency attached by ClinVar (database versions not stated): gnomAD exomes 0.00021; ExAC 0.00024; gnomAD 0.00083 and 0.00086; TOPMed 0.00100; ESP Exome Variant Server 0.00131; 1000 Genomes Project 0.00140; 1000 Genomes Project 30x 0.00141.
gnomAD v4.1: 278 of 1,614,054 alleles (0.017%); highest among the groups gnomAD compares: African/African-American, 0.3%; 1 homozygote.

Submissions (8):

Labcorp Genetics (formerly Invitae), Labcorp
Classification: Benign for Chédiak-Higashi syndrome. Last evaluated: 2026-01-28. Review status: criteria provided, single submitter. Criteria: Invitae Variant Classification Sherloc (09022015). Collection method: clinical testing. Allele origin: germline.

Blueprint Genetics
Classification: Likely benign. Last evaluated: 2022-07-15. Review status: criteria provided, single submitter. Criteria: ACMG Guidelines, 2015. Collection method: clinical testing. Allele origin: germline.

Genome Diagnostics Laboratory, The Hospital for Sick Children
Classification: Likely benign for Autoinflammatory syndrome. Last evaluated: 2020-09-08. Review status: criteria provided, single submitter. Criteria: ACMG Guidelines, 2015. Collection method: clinical testing. Allele origin: germline. Affected: yes.

Illumina Laboratory Services, Illumina
Classification: Uncertain significance for Chédiak-Higashi syndrome. Last evaluated: 2018-01-13. Review status: criteria provided, single submitter. Criteria: ICSL Variant Classification Criteria 13 December 2019. Collection method: clinical testing. Allele origin: germline.

Genetic Services Laboratory, University of Chicago
Classification: Likely benign. Last evaluated: 2017-03-27. Review status: criteria provided, single submitter. Criteria: ACMG Guidelines, 2015. Collection method: clinical testing. Allele origin: germline. Affected: no.

PreventionGenetics, part of Exact Sciences
Classification: Likely benign for LYST-related condition. Last evaluated: 2020-01-29. Review status: no assertion criteria provided. Collection method: clinical testing. Allele origin: germline. Not counted in ClinVar's aggregate classification.
Comment: This variant is classified as likely benign based on ACMG/AMP sequence variant interpretation guidelines (Richards et al. 2015 PMID: 25741868, with internal and published modifications).

Clinical Genetics DNA and cytogenetics Diagnostics Lab, Erasmus MC, Erasmus Medical Center
Classification: Likely benign. Review status: no assertion criteria provided. Collection method: clinical testing. Allele origin: germline. Affected: yes. Study: VKGL Data-share Consensus. Not counted in ClinVar's aggregate classification.

Laboratory of Diagnostic Genome Analysis, Leiden University Medical Center (LUMC)
Classification: Likely benign. Review status: no assertion criteria provided. Collection method: clinical testing. Allele origin: germline. Affected: yes. Study: VKGL Data-share Consensus. Not counted in ClinVar's aggregate classification.

NM_000081.4(LYST):c.2769A>C (p.Ser923=)

Gene: LYST (lysosomal trafficking regulator; minus strand). Cytogenetic location: 1q42.3.
Variant type: single nucleotide variant.
Coding change: c.2769A>C on transcript NM_000081.4 (MANE Select); coding-DNA position 2769, A replaced by C.
Protein change: p.Ser923=; no amino-acid change (serine 923 retained).
Molecular consequence: synonymous variant.
Genome position (GRCh38, 1-based): chr1:235,806,367, T>G on the plus strand (A>C on the coding strand, the complement: LYST is on the minus strand). VCF-style: chr1-235806367-T-G. GRCh37 (hg19) VCF-style: chr1-235969667-T-G.
Other names: c.2769A>C, p.Ser923= (NM_001301365.1).
Identifiers: ClinVar variation 296415 (VCV000296415.26), dbSNP rs112739986, ClinGen allele CA1467214.